The following is an entry in ClinVar:

NM_001846.4(COL4A2):c.2357A>T (p.Asp786Val)

Gene: COL4A2 (collagen type IV alpha 2 chain; plus strand). Cytogenetic location: 13q34.
Variant type: single nucleotide variant.
Coding change: c.2357A>T on transcript NM_001846.4 (MANE Select); coding-DNA position 2357, A replaced by T.
Protein change: p.Asp786Val; replaces aspartic acid 786 with valine.
Molecular consequence: missense variant.
Genome position (GRCh38, 1-based): chr13:110,473,082, A>T. VCF-style: chr13-110473082-A-T. GRCh37 (hg19) VCF-style: chr13-111125429-A-T.
Other names: short protein forms D786V.
Identifiers: ClinVar variation 2059857 (VCV002059857.5), dbSNP rs753642146, ClinGen allele CA7049898.

ClinVar aggregate classification (germline): Conflicting classifications of pathogenicity. Review status: criteria provided, conflicting classifications (1 of 4 stars). 2 submissions from 2 submitters: Uncertain significance (1); Likely benign (1). Last evaluated 2022-03-29.

Conditions:
Inborn genetic diseases. Identifiers: MedGen C0950123, MeSH D030342.

Allele frequency attached by ClinVar (database versions not stated): gnomAD 0.00009; gnomAD exomes 0.00013; ExAC 0.00029; TOPMed 0.00006.
gnomAD v4.1: 197 of 1,546,396 alleles (0.013%); highest among the groups gnomAD compares: Non-Finnish European, 0.016%; no homozygotes.

Submissions (2):

Ambry Genetics
Classification: Likely benign for Inborn genetic diseases. Last evaluated: 2022-03-29. Review status: criteria provided, single submitter. Criteria: Ambry Variant Classification Scheme 2023. Collection method: clinical testing. Allele origin: germline.

Labcorp Genetics (formerly Invitae), Labcorp
Classification: Uncertain significance. Last evaluated: 2022-03-13. Review status: criteria provided, single submitter. Criteria: Invitae Variant Classification Sherloc (09022015). Collection method: clinical testing. Allele origin: germline.
Comment: This variant is present in population databases (rs753642146, gnomAD 0.02%). This sequence change replaces aspartic acid, which is acidic and polar, with valine, which is neutral and non-polar, at codon 786 of the COL4A2 protein (p.Asp786Val). This variant has not been reported in the literature in individuals affected with COL4A2-related conditions. In summary, the available evidence is currently insufficient to determine the role of this variant in disease. Therefore, it has been classified as a Variant of Uncertain Significance. Advanced modeling of protein sequence and biophysical properties (such as structural, functional, and spatial information, amino acid conservation, physicochemical variation, residue mobility, and thermodynamic stability) performed at Invitae indicates that this missense variant is not expected to disrupt COL4A2 protein function.